The following is an entry in ClinVar:

ClinVar aggregate classification (germline): Uncertain significance (1 of 4 stars; one submission).

Allele frequency attached by ClinVar (database versions not stated): ExAC 0.00001; gnomAD 0.00001; TOPMed 0.00002.

Submission:

Labcorp Genetics (formerly Invitae), Labcorp
Classification: Uncertain significance. Last evaluated: 2022-11-17. Review status: criteria provided, single submitter. Criteria: Invitae Variant Classification Sherloc (09022015). Collection method: clinical testing. Allele origin: germline.
Comment: In summary, the available evidence is currently insufficient to determine the role of this variant in disease. Therefore, it has been classified as a Variant of Uncertain Significance. Algorithms developed to predict the effect of missense changes on protein structure and function are either unavailable or do not agree on the potential impact of this missense change (SIFT: "Not Available"; PolyPhen-2: "Benign"; Align-GVGD: "Not Available"). This variant has not been reported in the literature in individuals affected with COLGALT1-related conditions. This variant is present in population databases (rs763767262, gnomAD 0.003%). This sequence change replaces serine, which is neutral and polar, with leucine, which is neutral and non-polar, at codon 607 of the COLGALT1 protein (p.Ser607Leu).

NM_024656.4(COLGALT1):c.1820C>T (p.Ser607Leu)

Gene: COLGALT1 (collagen beta(1-O)galactosyltransferase 1; plus strand). Cytogenetic location: 19p13.11.
Variant type: single nucleotide variant.
Coding change: c.1820C>T on transcript NM_024656.4 (MANE Select); coding-DNA position 1820, C replaced by T.
Protein change: p.Ser607Leu; replaces serine 607 with leucine.
Molecular consequence: missense variant.
Genome position (GRCh38, 1-based): chr19:17,581,395, C>T. VCF-style: chr19-17581395-C-T. GRCh37 (hg19) VCF-style: chr19-17692204-C-T.
Other names: short protein forms S607L.
Identifiers: ClinVar variation 1975010 (VCV001975010.3), dbSNP rs763767262, ClinGen allele CA9297443.